The following is an entry in ClinVar:

NM_001395656.1(ROBO2):c.3259C>T (p.Pro1087Ser)

Gene: ROBO2 (roundabout guidance receptor 2; plus strand). Cytogenetic location: 3p12.3.
Variant type: single nucleotide variant.
Coding change: c.3259C>T on transcript NM_001395656.1 (MANE Select); coding-DNA position 3259, C replaced by T.
Protein change: p.Pro1087Ser; replaces proline 1087 with serine.
Molecular consequence: missense variant.
Genome position (GRCh38, 1-based): chr3:77,607,908, C>T. VCF-style: chr3-77607908-C-T. GRCh37 (hg19) VCF-style: chr3-77657059-C-T.
Other names: c.3295C>T, p.Pro1099Ser (NM_001128929.3); c.3259C>T, p.Pro1087Ser (NM_001290039.2, NM_001290040.2); c.1468C>T, p.Pro490Ser (NM_001290065.2); c.3307C>T, p.Pro1103Ser (NM_001378190.1, NM_001378200.1, NM_001378201.1 and 1 more transcripts); c.3433C>T, p.Pro1145Ser (NM_001378191.1, NM_001378195.1, NM_001378196.1); c.3328C>T, p.Pro1110Ser (NM_001378192.1, NM_001378198.1, NM_001378199.1); c.3247C>T, p.Pro1083Ser (NM_001378193.1, NM_002942.5); c.3445C>T, p.Pro1149Ser (NM_001378194.1); and 6 more; short protein forms P1084S, P1106S, P1149S, P490S, P1125S, P1110S, P1145S, P1148S.
Identifiers: ClinVar variation 2175686 (VCV002175686.6), dbSNP rs376267133, ClinGen allele CA2497597.
Genomic context (GRCh38, chr3:77,607,908, plus strand): 5'-AAAAACAATGGATCCACTTGGGCCAATGTCCCTCTACCTCCCCCCCCAGTCCAGCCCCTT[C>T]CTGGCACGGAGCTGGAACACTATGCAGTGGAACAACAAGAAAATGGGTAAAGATATTTTA-3'
Protein context (NP_001382585.1, residues 1077-1097): PLPPPPVQPL[Pro1087Ser]GTELEHYAVE

ClinVar aggregate classification (germline): Uncertain significance. Review status: criteria provided, multiple submitters, no conflicts (2 of 4 stars). 3 submissions from 3 submitters: Uncertain significance (3). Last evaluated 2024-12-04.

Conditions:
Vesicoureteral reflux 2 (VUR2). Identifiers: Orphanet 289365, MedGen C1970483, MONDO:0012573, OMIM 610878.
Inborn genetic diseases. Identifiers: MedGen C0950123, MeSH D030342.

Allele frequency attached by ClinVar (database versions not stated): gnomAD exomes 0.00006; ExAC 0.00008; TOPMed 0.00008; gnomAD 0.00009; ESP Exome Variant Server 0.00017.
gnomAD v4.1: 98 of 1,613,858 alleles (0.0061%); highest among the groups gnomAD compares: Middle Eastern, 0.21%; no homozygotes.

Submissions (3):

Labcorp Genetics (formerly Invitae), Labcorp
Classification: Uncertain significance. Last evaluated: 2024-12-04. Review status: criteria provided, single submitter. Criteria: Invitae Variant Classification Sherloc (09022015). Collection method: clinical testing. Allele origin: germline.
Comment: This sequence change replaces proline, which is neutral and non-polar, with serine, which is neutral and polar, at codon 1083 of the ROBO2 protein (p.Pro1083Ser). This variant is present in population databases (rs376267133, gnomAD 0.01%). This variant has not been reported in the literature in individuals affected with ROBO2-related conditions. ClinVar contains an entry for this variant (Variation ID: 2175686). Invitae Evidence Modeling of protein sequence and biophysical properties (such as structural, functional, and spatial information, amino acid conservation, physicochemical variation, residue mobility, and thermodynamic stability) indicates that this missense variant is not expected to disrupt ROBO2 protein function with a negative predictive value of 95%. In summary, the available evidence is currently insufficient to determine the role of this variant in disease. Therefore, it has been classified as a Variant of Uncertain Significance.

Ambry Genetics
Classification: Uncertain significance for Inborn genetic diseases. Last evaluated: 2021-06-23. Review status: criteria provided, single submitter. Criteria: Ambry Variant Classification Scheme 2023. Collection method: clinical testing. Allele origin: germline.

Department of Pathology and Laboratory Medicine, Sinai Health System
Classification: Uncertain significance for Vesicoureteral reflux 2. Last evaluated: 2020-06-25. Review status: criteria provided, single submitter. Criteria: ACMG Guidelines, 2015. Collection method: research. Allele origin: germline.